The following is an entry in ClinVar:

NM_014208.3(DSPP):c.2455G>A (p.Asp819Asn)

Genes: DMP1-AS1 (DMP1 and DSPP antisense RNA 1; minus strand), DSPP (dentin sialophosphoprotein; plus strand). Cytogenetic location: 4q22.1.
Variant type: single nucleotide variant.
Coding change: c.2455G>A on transcript NM_014208.3 (MANE Select); coding-DNA position 2455, G replaced by A.
Protein change: p.Asp819Asn; replaces aspartic acid 819 with asparagine.
Molecular consequence: missense variant.
Genome position (GRCh38, 1-based): chr4:87,615,117, G>A. VCF-style: chr4-87615117-G-A. GRCh37 (hg19) VCF-style: chr4-88536269-G-A.
Other names: short protein forms D819N.
Identifiers: ClinVar variation 811756 (VCV000811756.37), dbSNP rs371825362, ClinGen allele CA3001252.

ClinVar aggregate classification (germline): Conflicting classifications of pathogenicity. Review status: criteria provided, conflicting classifications (1 of 4 stars). 5 submissions from 5 submitters: Uncertain significance (3); Benign (1); Likely benign (1). Last evaluated 2025-02-01.

Conditions:
Inborn genetic diseases. Identifiers: MedGen C0950123, MeSH D030342.

Allele frequency attached by ClinVar (database versions not stated): 1000 Genomes Project 30x 0.00016; gnomAD exomes 0.00017 and 0.00035; ESP Exome Variant Server 0.00022; ExAC 0.00039; gnomAD 0.00043 and 0.00044.
gnomAD v4.1: 315 of 1,534,638 alleles (0.021%); highest among the groups gnomAD compares: Middle Eastern, 0.38%; 2 homozygotes.

Submissions (5):

Ambry Genetics
Classification: Uncertain significance for Inborn genetic diseases. Last evaluated: 2025-02-01. Review status: criteria provided, single submitter. Criteria: Ambry Variant Classification Scheme 2023. Collection method: clinical testing. Allele origin: germline.

Blueprint Genetics
Classification: Likely benign. Last evaluated: 2024-08-16. Review status: criteria provided, single submitter. Criteria: ACMG Guidelines, 2015. Collection method: clinical testing. Allele origin: germline.

CeGaT Center for Human Genetics Tuebingen
Classification: Benign. Last evaluated: 2024-05-01. Review status: criteria provided, single submitter. Criteria: CeGaT Center For Human Genetics Tuebingen Variant Classification Criteria Version 2. Collection method: clinical testing. Allele origin: germline. Affected: yes. Observed: 2 variant alleles.
Comment: DSPP: BP4, BS1, BS2

ARUP Laboratories, Molecular Genetics and Genomics, ARUP Laboratories
Classification: Uncertain significance. Last evaluated: 2018-09-28. Review status: criteria provided, single submitter. Criteria: ARUP Molecular Germline Variant Investigation Process. Collection method: clinical testing. Allele origin: germline.
Comment: The DSPP c.2455G>A; p.Asp819Asn variant (rs371825362), to our knowledge, has not been reported in the medical literature or gene specific databases. This variant is found in the general population with an overall allele frequency of 0.03% (61/181,478 alleles) in the Genome Aggregation Database. The aspartic acid at codon 819 is weakly conserved (Alamut v.2.11) and computational analyses (SIFT, PolyPhen-2) predict that this variant is tolerated. However, based on the available information, the clinical significance of this variant is uncertain.

Breakthrough Genomics
Classification: Uncertain significance. Review status: criteria provided, single submitter. Criteria: ACMG Guidelines, 2015. Collection method: not provided. Allele origin: germline. Inheritance: Autosomal dominant inheritance. Affected: yes.